The following is an entry in ClinVar:

ClinVar aggregate classification (germline): Uncertain significance (1 of 4 stars; one submission).

Allele frequency attached by ClinVar (database versions not stated): gnomAD exomes 0.00001; gnomAD 0.00002; ExAC 0.00005; 1000 Genomes Project 30x 0.00016; 1000 Genomes Project 0.00020.
gnomAD v4.1: 6 of 1,551,698 alleles (0.00039%); highest among the groups gnomAD compares: African/African-American, 0.0068%; no homozygotes.

Submission:

Labcorp Genetics (formerly Invitae), Labcorp
Classification: Uncertain significance. Last evaluated: 2022-01-11. Review status: criteria provided, single submitter. Criteria: Invitae Variant Classification Sherloc (09022015). Collection method: clinical testing. Allele origin: germline.
Comment: This sequence change replaces leucine, which is neutral and non-polar, with isoleucine, which is neutral and non-polar, at codon 1417 of the UNC80 protein (p.Leu1417Ile). This variant is present in population databases (rs553978269, gnomAD 0.03%). This variant has not been reported in the literature in individuals affected with UNC80-related conditions. Algorithms developed to predict the effect of missense changes on protein structure and function output the following: SIFT: "Not Available"; PolyPhen-2: "Possibly Damaging"; Align-GVGD: "Not Available". The isoleucine amino acid residue is found in multiple mammalian species, which suggests that this missense change does not adversely affect protein function. In summary, the available evidence is currently insufficient to determine the role of this variant in disease. Therefore, it has been classified as a Variant of Uncertain Significance.

NM_001371986.1(UNC80):c.4243C>A (p.Leu1415Ile)

Gene: UNC80 (unc-80 homolog, NALCN channel complex subunit; plus strand). Cytogenetic location: 2q34.
Variant type: single nucleotide variant.
Coding change: c.4243C>A on transcript NM_001371986.1 (MANE Select); coding-DNA position 4243, C replaced by A.
Protein change: p.Leu1415Ile; replaces leucine 1415 with isoleucine.
Molecular consequence: missense variant.
Genome position (GRCh38, 1-based): chr2:209,888,227, C>A. VCF-style: chr2-209888227-C-A. GRCh37 (hg19) VCF-style: chr2-210752951-C-A.
Other names: c.4249C>A, p.Leu1417Ile (NM_032504.2); c.4234C>A, p.Leu1412Ile (NM_182587.4); short protein forms L1412I, L1415I, L1417I.
Identifiers: ClinVar variation 1978550 (VCV001978550.1), dbSNP rs553978269, ClinGen allele CA2083189.